The following is an entry in ClinVar:

ClinVar aggregate classification (germline): Likely pathogenic (1 of 4 stars; one submission).

Conditions:
Cardiovascular phenotype. Identifiers: MedGen CN230736.

Submission:

Ambry Genetics
Classification: Likely pathogenic for Cardiovascular phenotype. Last evaluated: 2024-02-02. Review status: criteria provided, single submitter. Criteria: Ambry Variant Classification Scheme 2023. Collection method: clinical testing. Allele origin: germline.
Comment: The c.34002_34003insAT variant, located in coding exon 131 of the TTN gene, results from an insertion of two nucleotides at position 34002, causing a translational frameshift with a predicted alternate stop codon (p.G11335Mfs*6). This exon is located in the A-band region of the N2-B isoform of the titin protein and is constitutively expressed in TTN transcripts (percent spliced in or PSI 100%). This variant is considered to be rare based on population cohorts in the Genome Aggregation Database (gnomAD). This alteration is expected to result in loss of function by premature protein truncation or nonsense-mediated mRNA decay. While truncating variants in TTN are present in 1-3% of the general population, truncating variants in the A-band are the most common cause of dilated cardiomyopathy (DCM) (Herman DS et al. N. Engl. J. Med., 2012 Feb;366:619-28; Roberts AM et al. Sci Transl Med, 2015 Jan;7:270ra6). TTN truncating variants encoded in constitutive exons (PSI >90%) have been found to be significantly associated with DCM regardless of their position in titin (Schafer S et al. Nat. Genet., 2017 01;49:46-53). Based on the majority of available evidence to date, this variant is likely to be pathogenic.

NM_001267550.2(TTN):c.61197_61198insAT (p.Gly20400fs)

Genes: TTN (titin; minus strand), TTN-AS1 (TTN antisense RNA 1; plus strand). Cytogenetic location: 2q31.2.
Variant type: Insertion.
Coding change: c.61197_61198insAT on transcript NM_001267550.2 (MANE Select); coding-DNA positions 61197 to 61198, AT inserted.
Protein change: p.Gly20400fs; shifts the reading frame from glycine 20400.
Molecular consequence: frameshift variant.
Genome position: GRCh38 VCF-style: chr2-178590527-C-CAT. GRCh37 (hg19) VCF-style: chr2-179455254-C-CAT.
Other names: c.56274_56275insAT, p.Gly18759fs (NM_001256850.1); c.34002_34003insAT, p.Gly11335fs (NM_003319.4); c.53493_53494insAT, p.Gly17832fs (NM_133378.4); c.34377_34378insAT, p.Gly11460fs (NM_133432.3); c.34578_34579insAT, p.Gly11527fs (NM_133437.4); short protein forms G11335fs, G11460fs, G11527fs, G17832fs, G18759fs, G20400fs.
Identifiers: ClinVar variation 3223243 (VCV003223243.1), dbSNP rs2049985232, ClinGen allele CA1310539280.